The following is an entry in ClinVar:

NM_001098671.2(RASGRP2):c.973del (p.Ala325fs)

Gene: RASGRP2 (RAS guanyl releasing protein 2; minus strand). Cytogenetic location: 11q13.1.
Variant type: Deletion.
Coding change: c.973del on transcript NM_001098671.2 (MANE Select); coding-DNA position 973, one base deleted (G; older notation c.973delG).
Protein change: p.Ala325fs; shifts the reading frame from alanine 325.
Molecular consequence: frameshift variant.
Genome position (GRCh38, 1-based): chr11:64,736,875, C deleted on the plus strand (G on the coding strand, the reverse complement: RASGRP2 is on the minus strand). VCF-style (leftmost placement, unchanged base first): chr11-64736874-GC-G. GRCh37 (hg19) VCF-style: chr11-64504346-GC-G.
Other names: c.973del, p.Ala325fs (NM_001098670.2); c.538del, p.Ala180fs (NM_001318398.2); c.973delG, p.Ala325Profs (NM_153819.2); short protein forms A325fs, A180fs.
Identifiers: ClinVar variation 2730192 (VCV002730192.3), dbSNP rs2496515487, ClinGen allele CA2697548610.

ClinVar aggregate classification (germline): Pathogenic (1 of 4 stars; one submission).

Submission:

Labcorp Genetics (formerly Invitae), Labcorp
Classification: Pathogenic. Last evaluated: 2024-08-30. Review status: criteria provided, single submitter. Criteria: Invitae Variant Classification Sherloc (09022015). Collection method: clinical testing. Allele origin: germline.
Comment: This sequence change creates a premature translational stop signal (p.Ala325Profs*10) in the RASGRP2 gene. It is expected to result in an absent or disrupted protein product. Loss-of-function variants in RASGRP2 are known to be pathogenic (PMID: 27235135, 27663674). This variant is not present in population databases (gnomAD no frequency). This variant has not been reported in the literature in individuals affected with RASGRP2-related conditions. For these reasons, this variant has been classified as Pathogenic.

Literature cited by the submitters: PubMed 27235135; PubMed 27663674.